The following is an entry in ClinVar:

NM_000387.6(SLC25A20):c.496C>T (p.Arg166Ter)

Gene: SLC25A20 (solute carrier family 25 member 20; minus strand). Cytogenetic location: 3p21.31.
Variant type: single nucleotide variant.
Coding change: c.496C>T on transcript NM_000387.6 (MANE Select); coding-DNA position 496, C replaced by T.
Protein change: p.Arg166Ter; replaces arginine 166 with a stop codon.
Molecular consequence: nonsense.
Genome position (GRCh38, 1-based): chr3:48,862,581, G>A on the plus strand (C>T on the coding strand, the complement: SLC25A20 is on the minus strand). VCF-style: chr3-48862581-G-A. GRCh37 (hg19) VCF-style: chr3-48900014-G-A.
Other names: short protein forms R166*.
Identifiers: ClinVar variation 12135 (VCV000012135.15), dbSNP rs151340616, ClinGen allele CA121914.

ClinVar aggregate classification (germline): Pathogenic. Review status: criteria provided, multiple submitters, no conflicts (2 of 4 stars). 7 submissions from 7 submitters: Pathogenic (6). 1 of the submissions does not count toward it. Last evaluated 2025-12-22.

Conditions:
Carnitine acylcarnitine translocase deficiency (CACTD). Identifiers: Orphanet 159, MedGen C0342791, MONDO:0008918, OMIM 212138.

Allele frequency attached by ClinVar (database versions not stated): ExAC 0.00002; TOPMed 0.00002; gnomAD 0.00001; gnomAD exomes 0.00001.

Submissions (7):

Labcorp Genetics (formerly Invitae), Labcorp
Classification: Pathogenic for Carnitine acylcarnitine translocase deficiency. Last evaluated: 2025-12-22. Review status: criteria provided, single submitter. Criteria: Invitae Variant Classification Sherloc (09022015). Collection method: clinical testing. Allele origin: germline.
Comment: This sequence change creates a premature translational stop signal (p.Arg166*) in the SLC25A20 gene. It is expected to result in an absent or disrupted protein product. Loss-of-function variants in SLC25A20 are known to be pathogenic (PMID: 25614308). This variant is present in population databases (rs151340616, gnomAD 0.006%). This premature translational stop signal has been observed in individual(s) with carnitine-acylcarnitine translocase deficiency (PMID: 10384384, 12559850). ClinVar contains an entry for this variant (Variation ID: 12135). For these reasons, this variant has been classified as Pathogenic.

Baylor Genetics
Classification: Pathogenic for Carnitine acylcarnitine translocase deficiency. Last evaluated: 2024-03-30. Review status: criteria provided, single submitter. Criteria: ACMG Guidelines, 2015. Collection method: clinical testing. Allele origin: unknown.

Fulgent Genetics
Classification: Pathogenic for Carnitine acylcarnitine translocase deficiency. Last evaluated: 2024-02-25. Review status: criteria provided, single submitter. Criteria: ACMG Guidelines, 2015. Collection method: clinical testing. Allele origin: germline.

Women's Health and Genetics/Laboratory Corporation of America, LabCorp
Classification: Pathogenic for Carnitine acylcarnitine translocase deficiency. Last evaluated: 2021-11-05. Review status: criteria provided, single submitter. Criteria: LabCorp Variant Classification Summary - May 2015. Collection method: clinical testing. Allele origin: germline.
Comment: Variant summary: SLC25A20 c.496C>T (p.Arg166X) results in a premature termination codon, predicted to cause a truncation of the encoded protein or absence of the protein due to nonsense mediated decay, which are commonly known mechanisms for disease. Truncations downstream of this position have been classified as pathogenic by our laboratory. The variant allele was found at a frequency of 1.2e-05 in 251456 control chromosomes (gnomAD). c.496C>T has been reported in the literature in at least two individuals (homozygous and a compound heterozygous) affected with Carnitine-Acylcarnitine Translocase Deficiency (Costa_1999 and Wang_2011). To our knowledge, no other experimental evidence demonstrating an impact on protein function has been reported. One clinical diagnostic laboratory has submitted clinical-significance assessments for this variant to ClinVar after 2014 and classified the variant as pathogenic. Based on the evidence outlined above, the variant was classified as pathogenic.

GeneDx
Classification: Pathogenic. Last evaluated: 2018-04-09. Review status: criteria provided, single submitter. Criteria: GeneDx Variant Classification (06012015). Collection method: clinical testing. Allele origin: germline. Affected: yes.
Comment: The R166X nonsense variant in the SLC25A20 gene has been reported previously in association with carnitine-acylcarnitine translocase deficiency (Costa et al., 1999; Wang et al., 2011). The R166X variant is not observed at a significant frequency in large population cohorts (Lek et al., 2016). This pathogenic variant is predicted to cause loss of normal protein function either through protein truncation or nonsense-mediated mRNA decay.

Juno Genomics, Hangzhou Juno Genomics, Inc
Classification: Pathogenic for Carnitine acylcarnitine translocase deficiency. Review status: criteria provided, single submitter. Criteria: ACMG Guidelines, 2015. Collection method: clinical testing. Allele origin: germline.
Comment: Absent from controls (or at extremely low frequency if recessive) in Genome Aggregation Database.;Null variant in a gene where loss of function (LOF) is a known mechanism of disease.;For recessive disorders, detected in trans with a pathogenic variant.

OMIM
Classification: Pathogenic for CARNITINE-ACYLCARNITINE TRANSLOCASE DEFICIENCY. Last evaluated: 1999-05-01. Review status: no assertion criteria provided. Collection method: literature only. Allele origin: germline. Not counted in ClinVar's aggregate classification.

Literature cited by the submitters: PubMed 25614308 (cited by Labcorp Genetics (formerly Invitae), Labcorp); PubMed 10384384 (cited by 3 submitters); PubMed 12559850 (cited by Labcorp Genetics (formerly Invitae), Labcorp); PubMed 21605995 (cited by Women's Health and Genetics/Laboratory Corporation of America, LabCorp); PubMed 31589614 (cited by Women's Health and Genetics/Laboratory Corporation of America, LabCorp).